The following is an entry in ClinVar:

NM_015627.3(LDLRAP1):c.488A>C (p.Gln163Pro)

Gene: LDLRAP1 (low density lipoprotein receptor adaptor protein 1; plus strand). Cytogenetic location: 1p36.11.
Variant type: single nucleotide variant.
Coding change: c.488A>C on transcript NM_015627.3 (MANE Select); coding-DNA position 488, A replaced by C.
Protein change: p.Gln163Pro; replaces glutamine 163 with proline.
Molecular consequence: missense variant.
Genome position (GRCh38, 1-based): chr1:25,562,672, A>C. VCF-style: chr1-25562672-A-C. GRCh37 (hg19) VCF-style: chr1-25889163-A-C.
Other names: short protein forms Q163P.
Identifiers: ClinVar variation 4847843 (VCV004847843.1).

ClinVar aggregate classification (germline): Likely pathogenic (1 of 4 stars; one submission).

Conditions:
Familial hypercholesterolemia. Also called: Familial hypercholesterolemias; Familial hypercholesterolaemia. Identifiers: MedGen C0020445, MONDO:0005439.

gnomAD v4.1: 2 of 1,614,176 alleles (0.00012%); highest among the groups gnomAD compares: Non-Finnish European, 0.00017%; no homozygotes.

Submission:

Women's Health and Genetics/Laboratory Corporation of America, LabCorp
Classification: Likely pathogenic for Familial hypercholesterolemia. Last evaluated: 2026-02-13. Review status: criteria provided, single submitter. Criteria: LabCorp Variant Classification Summary - May 2015. Collection method: clinical testing. Allele origin: germline.
Comment: Variant summary: LDLRAP1 c.488A>C (p.Gln163Pro) results in a non-conservative amino acid change in the encoded protein sequence. Algorithms developed to predict the effect of missense changes on protein structure and function are either unavailable or do not agree on the potential impact of this missense change. The variant was absent in 251462 control chromosomes. c.488A>C has been observed in individuals affected with Familial Hypercholesterolemia (Petrulioniene_2019, Atava_2024, Aliosaitiene_2025). These data indicate that the variant is likely to be associated with disease. To our knowledge, no experimental evidence demonstrating an impact on protein function has been reported. The following publications have been ascertained in the context of this evaluation (PMID: 40422968, 39769230, 31734096). No submitters have cited clinical-significance assessments for this variant to ClinVar. Based on the evidence outlined above, the variant was classified as likely pathogenic.

Literature cited by the submitters: PubMed 39769230; PubMed 40422968; PubMed 31734096.